The following is an entry in ClinVar:

NM_000701.8(ATP1A1):c.1750_1751del (p.Cys584fs)

Genes: ATP1A1 (ATPase Na+/K+ transporting subunit alpha 1; plus strand), ATP1A1-AS1 (ATP1A1 antisense RNA 1; minus strand). Cytogenetic location: 1p13.1.
Variant type: Microsatellite.
Coding change: c.1750_1751del on transcript NM_000701.8 (MANE Select); coding-DNA positions 1750 to 1751, 2 bases deleted (TG; older notation c.1750_1751delTG).
Protein change: p.Cys584fs; shifts the reading frame from cysteine 584.
Molecular consequence: frameshift variant.
Genome position (GRCh38, 1-based): chr1:116,395,199-116,395,200, TG deleted; deleting any 2 consecutive bases within chr1:116,395,197-116,395,200 gives the same sequence; the c. name uses the placement nearest the transcript's 3' end. VCF-style (leftmost placement, unchanged base first): chr1-116395196-CTG-C. GRCh37 (hg19) VCF-style: chr1-116937818-CTG-C.
Other names: c.1750_1751del, p.Cys584fs (NM_001160233.2); c.1657_1658del, p.Cys553fs (NM_001160234.2); short protein forms C553fs, C584fs.
Identifiers: ClinVar variation 2035169 (VCV002035169.4), dbSNP rs2525861360, ClinGen allele CA2580611478.

ClinVar aggregate classification (germline): Uncertain significance (1 of 4 stars; one submission).

Submission:

Labcorp Genetics (formerly Invitae), Labcorp
Classification: Uncertain significance. Last evaluated: 2022-10-11. Review status: criteria provided, single submitter. Criteria: Invitae Variant Classification Sherloc (09022015). Collection method: clinical testing. Allele origin: germline.
Comment: In summary, the available evidence is currently insufficient to determine the role of this variant in disease. Therefore, it has been classified as a Variant of Uncertain Significance. This sequence change creates a premature translational stop signal (p.Cys584Leufs*9) in the ATP1A1 gene. It is expected to result in an absent or disrupted protein product. However, the current clinical and genetic evidence is not sufficient to establish whether loss-of-function variants in ATP1A1 cause disease. This variant is not present in population databases (gnomAD no frequency). This variant has not been reported in the literature in individuals affected with ATP1A1-related conditions.